The following is an entry in ClinVar:

NM_006393.3(NEBL):c.1904C>T (p.Ala635Val)

Gene: NEBL (nebulette; minus strand). Cytogenetic location: 10p12.31.
Variant type: single nucleotide variant.
Coding change: c.1904C>T on transcript NM_006393.3 (MANE Select); coding-DNA position 1904, C replaced by T.
Protein change: p.Ala635Val; replaces alanine 635 with valine.
Molecular consequence: missense variant. On other transcripts: intron variant (9).
Genome position (GRCh38, 1-based): chr10:20,823,266, G>A on the plus strand (C>T on the coding strand, the complement: NEBL is on the minus strand). VCF-style: chr10-20823266-G-A. GRCh37 (hg19) VCF-style: chr10-21112195-G-A.
Other names: c.250-10326C>T (NM_001377326.1, NM_001377327.1, NM_001377328.1); c.358-10326C>T (NM_213569.2, NM_001173484.2, NM_001377322.1); c.301-10326C>T (NM_001377324.1); c.292-10326C>T (NM_001377325.1); c.310-10326C>T (NM_001377323.1); short protein forms A635V.
Identifiers: ClinVar variation 164748 (VCV000164748.5), dbSNP rs727503335, ClinGen allele CA177433.

ClinVar aggregate classification (germline): Uncertain significance (1 of 4 stars; one submission).

Allele frequency attached by ClinVar (database versions not stated): gnomAD 0.00001; gnomAD exomes below 0.00001; TOPMed below 0.00001; ExAC 0.00001.
gnomAD v4.1: 15 of 1,608,974 alleles (0.00093%); highest among the groups gnomAD compares: Non-Finnish European, 0.0013%; no homozygotes.

Submission:

Laboratory for Molecular Medicine, Mass General Brigham Personalized Medicine
Classification: Uncertain significance. Last evaluated: 2013-11-14. Review status: criteria provided, single submitter. Criteria: LMM Criteria. Collection method: clinical testing. Allele origin: germline. Observed: 1 variant allele.
Comment: The Ala635Val variant in NEBL has not been reported in individuals with cardiomy opathy or in large population studies. Computational analyses (biochemical amino acid properties, conservation, AlignGVGD, PolyPhen2, and SIFT) do not provide s trong support for or against an impact to the normal function of the protein. Ad ditional information is needed to fully assess the clinical significance of this variant.